The following is an entry in ClinVar:

ClinVar aggregate classification (germline): Uncertain significance (1 of 4 stars; one submission).

Submission:

Labcorp Genetics (formerly Invitae), Labcorp
Classification: Uncertain significance. Last evaluated: 2025-02-04. Review status: criteria provided, single submitter. Criteria: Invitae Variant Classification Sherloc (09022015). Collection method: clinical testing. Allele origin: germline.
Comment: This sequence change affects codon 671 of the MAGEL2 mRNA. It is a 'silent' change, meaning that it does not change the encoded amino acid sequence of the MAGEL2 protein. This variant is not present in population databases (gnomAD no frequency). This variant has not been reported in the literature in individuals affected with MAGEL2-related conditions. In summary, the available evidence is currently insufficient to determine the role of this variant in disease. Therefore, it has been classified as a Variant of Uncertain Significance.

NM_019066.5(MAGEL2):c.2013G>C (p.Ser671=)

Gene: MAGEL2 (MAGE family member L2; minus strand). Cytogenetic location: 15q11.2.
Variant type: single nucleotide variant.
Coding change: c.2013G>C on transcript NM_019066.5 (MANE Select); coding-DNA position 2013, G replaced by C.
Protein change: p.Ser671=; no amino-acid change (serine 671 retained).
Molecular consequence: synonymous variant.
Genome position (GRCh38, 1-based): chr15:23,645,730, C>G on the plus strand (G>C on the coding strand, the complement: MAGEL2 is on the minus strand). VCF-style: chr15-23645730-C-G. GRCh37 (hg19) VCF-style: chr15-23890877-C-G.
Identifiers: ClinVar variation 4779414 (VCV004779414.1).
Genomic context (GRCh38, chr15:23,645,730, plus strand): 5'-TGCAGGCGGTGCCTGCCAGGAAGGCTGGAGCGGCAGTGTGGGCACCTCCGCTTGCGGACC[C>G]GATGCCTGGGCCTGCTGGGGGGGTAGCTGGATTTGCACGGCTTTTTGGGAGGGCGGGGCT-3'
Protein context (NP_061939.3, residues 661-681): IQLPPQQAQA[Ser671=]GPQAEVPTLP